The following is an entry in ClinVar:

ClinVar aggregate classification (germline): Likely pathogenic (1 of 4 stars; one submission).

Conditions:
Histidinemia. Also called: HAL DEFICIENCY; HIS DEFICIENCY; HISTIDASE DEFICIENCY; HISTIDINE AMMONIA-LYASE DEFICIENCY; Deficiency of histidine ammonia-lyase; Hyperhistidinemia. Identifiers: Orphanet 2157, MedGen C0220992, MONDO:0009345, OMIM 235800, HP:0010906.

Submission:

3billion
Classification: Likely pathogenic for Histidinemia. Last evaluated: 2023-07-27. Review status: criteria provided, single submitter. Criteria: ACMG Guidelines, 2015. Collection method: clinical testing. Allele origin: germline. Affected: yes.
Comment: The variant is observed at an extremely low frequency in the gnomAD v2.1.1 dataset (total allele frequency: 0.000%). Predicted Consequence/Location: Canonical splice site: predicted to alter splicing and result in a loss or disruption of normal protein function. Multiple pathogenic loss-of-function variants are reported downstream of the variant. Therefore, this variant is classified as Likely pathogenic according to the recommendation of ACMG/AMP guideline.

NM_002108.4(HAL):c.1520-5_1538del

Gene: HAL (histidine ammonia-lyase; minus strand). Cytogenetic location: 12q23.1.
Variant type: Deletion.
Coding change: c.1520-5_1538del on transcript NM_002108.4 (MANE Select); 5 bases into the intron before coding-DNA position 1520 through coding-DNA position 1538, 24 bases deleted (TGCAGTTTCTGAGAACAAGGCTCT).
Molecular consequence: splice acceptor variant.
Genome position (GRCh38, 1-based): chr12:95,978,060-95,978,083, AGAGCCTTGTTCTCAGAAACTGCA deleted on the plus strand (TGCAGTTTCTGAGAACAAGGCTCT on the coding strand, the reverse complement: HAL is on the minus strand); deleting any 24 consecutive bases within chr12:95,978,060-95,978,087 gives the same sequence; the c. name uses the placement nearest the transcript's 3' end. VCF-style (leftmost placement, unchanged base first): chr12-95978059-CAGAGCCTTGTTCTCAGAAACTGCA-C. GRCh37 (hg19) VCF-style: chr12-96371837-CAGAGCCTTGTTCTCAGAAACTGCA-C.
Other names: c.896-5_914del (NM_001258333.2); c.1520-5_1538del (NM_001258334.2).
Identifiers: ClinVar variation 3775254 (VCV003775254.1).
Genomic context (GRCh38, chr12:95,978,059, plus strand): 5'-GGAGACGTGGTCCTCCGTGGCTGCGCTGGTGGAGAGGGAGTCAACAGACGAGGGATGGCA[CAGAGCCTTGTTCTCAGAAACTGCA>C]AGAGACCAGTGCCAGTTAAGAAGTGCTCCTCACAGGATGAGCTGTCTAAAGGACCCGTGG-3'